The following is an entry in ClinVar:

NM_000080.4(CHRNE):c.1255G>T (p.Glu419Ter)

Gene: CHRNE (cholinergic receptor nicotinic epsilon subunit; minus strand). Cytogenetic location: 17p13.2.
Variant type: single nucleotide variant.
Coding change: c.1255G>T on transcript NM_000080.4 (MANE Select); coding-DNA position 1255, G replaced by T.
Protein change: p.Glu419Ter; replaces glutamic acid 419 with a stop codon.
Molecular consequence: nonsense.
Genome position (GRCh38, 1-based): chr17:4,899,072, C>A on the plus strand (G>T on the coding strand, the complement: CHRNE is on the minus strand). VCF-style: chr17-4899072-C-A. GRCh37 (hg19) VCF-style: chr17-4802367-C-A.
Other names: short protein forms E419*.
Identifiers: ClinVar variation 1694812 (VCV001694812.35), dbSNP rs754975887, ClinGen allele CA397298530.

ClinVar aggregate classification (germline): Pathogenic. Review status: criteria provided, multiple submitters, no conflicts (2 of 4 stars). 3 submissions from 3 submitters: Pathogenic (3). Last evaluated 2023-08-28.

Conditions:
Congenital myasthenic syndrome 4A. Also called: MYASTHENIC SYNDROME, CONGENITAL, 4A, SLOW-CHANNEL, AUTOSOMAL RECESSIVE; Myasthenic syndrome, congenital, 4a, slow-channel; CONGENITAL MYASTHENIC SYNDROME TYPE Ia1. Identifiers: Orphanet 590, MedGen C4225413, MONDO:0011600, OMIM 605809.
Congenital myasthenic syndrome 4B. Also called: Myasthenic syndrome, congenital, 4b, fast-channel. Identifiers: Orphanet 590, MedGen C4225369, MONDO:0014586, OMIM 616324.
Congenital myasthenic syndrome 4C (CMS4C). Also called: Myasthenic syndrome, congenital, associated with acetylcholine receptor deficiency. Identifiers: Orphanet 590, MedGen C1837091, MONDO:0012157, OMIM 608931.

gnomAD v4.1: 2 of 1,611,438 alleles (0.00012%); highest among the groups gnomAD compares: Non-Finnish European, 0.00017%; no homozygotes.

Submissions (3):

Kariminejad - Najmabadi Pathology & Genetics Center
Classification: Pathogenic for Congenital myasthenic syndrome 4A; Congenital myasthenic syndrome 4B; Congenital myasthenic syndrome 4C. Last evaluated: 2023-08-28. Review status: criteria provided, single submitter. Criteria: ACMG Guidelines, 2015. Collection method: clinical testing. Allele origin: germline. Inheritance: Autosomal recessive inheritance. Affected: yes.
Comment: PM2, PVS1, PP5

Labcorp Genetics (formerly Invitae), Labcorp
Classification: Pathogenic for Congenital myasthenic syndrome 4A. Last evaluated: 2023-05-02. Review status: criteria provided, single submitter. Criteria: Invitae Variant Classification Sherloc (09022015). Collection method: clinical testing. Allele origin: germline.
Comment: For these reasons, this variant has been classified as Pathogenic. Algorithms developed to predict the effect of sequence changes on RNA splicing suggest that this variant may create or strengthen a splice site. ClinVar contains an entry for this variant (Variation ID: 1694812). This variant has not been reported in the literature in individuals affected with CHRNE-related conditions. This variant is not present in population databases (gnomAD no frequency). This sequence change creates a premature translational stop signal (p.Glu419*) in the CHRNE gene. It is expected to result in an absent or disrupted protein product. Loss-of-function variants in CHRNE are known to be pathogenic (PMID: 22678886).

CeGaT Center for Human Genetics Tuebingen
Classification: Pathogenic. Last evaluated: 2022-04-01. Review status: criteria provided, single submitter. Criteria: CeGaT Center For Human Genetics Tuebingen Variant Classification Criteria Version 2. Collection method: clinical testing. Allele origin: germline. Affected: yes. Observed: 1 variant allele.
Comment: CHRNE: PVS1, PM2

Literature cited by the submitters: PubMed 22678886 (cited by Labcorp Genetics (formerly Invitae), Labcorp).